The following is an entry in ClinVar:

ClinVar aggregate classification (germline): Uncertain significance (1 of 4 stars; one submission).

gnomAD v4.1: 7 of 1,613,822 alleles (0.00043%); highest among the groups gnomAD compares: Non-Finnish European, 0.000085%; 1 homozygote.

Submission:

Labcorp Genetics (formerly Invitae), Labcorp
Classification: Uncertain significance. Last evaluated: 2024-04-17. Review status: criteria provided, single submitter. Criteria: Invitae Variant Classification Sherloc (09022015). Collection method: clinical testing. Allele origin: germline.
Comment: This sequence change replaces methionine, which is neutral and non-polar, with isoleucine, which is neutral and non-polar, at codon 3780 of the KMT2A protein (p.Met3780Ile). This variant is not present in population databases (gnomAD no frequency). This variant has not been reported in the literature in individuals affected with KMT2A-related conditions. Advanced modeling of protein sequence and biophysical properties (such as structural, functional, and spatial information, amino acid conservation, physicochemical variation, residue mobility, and thermodynamic stability) performed at Invitae indicates that this missense variant is not expected to disrupt KMT2A protein function with a negative predictive value of 95%. In summary, the available evidence is currently insufficient to determine the role of this variant in disease. Therefore, it has been classified as a Variant of Uncertain Significance.

NM_001197104.2(KMT2A):c.11340G>C (p.Met3780Ile)

Genes: KMT2A (lysine methyltransferase 2A; plus strand), TTC36-AS1 (TTC36 and KMT2A antisense RNA 1; minus strand). Cytogenetic location: 11q23.3.
Variant type: single nucleotide variant.
Coding change: c.11340G>C on transcript NM_001197104.2 (MANE Select); coding-DNA position 11340, G replaced by C.
Protein change: p.Met3780Ile; replaces methionine 3780 with isoleucine.
Molecular consequence: missense variant.
Genome position (GRCh38, 1-based): chr11:118,519,975, G>C. VCF-style: chr11-118519975-G-C. GRCh37 (hg19) VCF-style: chr11-118390690-G-C.
Other names: c.11430G>C, p.Met3810Ile (NM_001412597.1); c.11331G>C, p.Met3777Ile (NM_005933.4); short protein forms M3777I, M3780I, M3810I.
Identifiers: ClinVar variation 2978351 (VCV002978351.3), dbSNP rs2497112578, ClinGen allele CA382833364.
Genomic context (GRCh38, chr11:118,519,975, plus strand): 5'-TTAAAGCATTTCTCTAAATATGTTTTAATCTTTTGGCCCCAGGAAGTCAGCATTTGACAT[G>C]TTTAACTTCCTGGCTTCTAAACATCGTCAGCCTCCTGAATACAACCCCAATGATGAAGAA-3'
Protein context (NP_001184033.1, residues 3770-3790): EVHLRKSAFD[Met3780Ile]FNFLASKHRQ